The following is an entry in ClinVar:

NM_015160.3(PMPCA):c.932C>T (p.Pro311Leu)

Gene: PMPCA (peptidase, mitochondrial processing subunit alpha; plus strand). Cytogenetic location: 9q34.3.
Variant type: single nucleotide variant.
Coding change: c.932C>T on transcript NM_015160.3 (MANE Select); coding-DNA position 932, C replaced by T.
Protein change: p.Pro311Leu; replaces proline 311 with leucine.
Molecular consequence: missense variant.
Genome position (GRCh38, 1-based): chr9:136,418,051, C>T. VCF-style: chr9-136418051-C-T. GRCh37 (hg19) VCF-style: chr9-139312503-C-T.
Other names: c.539C>T, p.Pro180Leu (NM_001282944.2); c.632C>T, p.Pro211Leu (NM_001282946.2); short protein forms P211L, P311L, P180L.
Identifiers: ClinVar variation 2189388 (VCV002189388.4), dbSNP rs781266438, ClinGen allele CA5336219.
Genomic context (GRCh38, chr9:136,418,051, plus strand): 5'-ACACTTGCTTGTTTTCTTGGTTACAGCTAGAAAGAGACATGTCCAATGTCAGCCTGGGCC[C>T]GACCCCCATCCCCGAGCTCACGCACATCATGGTTGGACTGGAGAGCTGCTCCTTCCTGGT-3'
Protein context (NP_055975.1, residues 301-321): ERDMSNVSLG[Pro311Leu]TPIPELTHIM

ClinVar aggregate classification (germline): Uncertain significance (1 of 4 stars; one submission).

Allele frequency attached by ClinVar (database versions not stated): gnomAD 0.00001; TOPMed 0.00002; ExAC 0.00005.
gnomAD v4.1: 23 of 1,613,700 alleles (0.0014%); highest among the groups gnomAD compares: Middle Eastern, 0.016%; no homozygotes.

Submission:

Labcorp Genetics (formerly Invitae), Labcorp
Classification: Uncertain significance. Last evaluated: 2025-04-19. Review status: criteria provided, single submitter. Criteria: Invitae Variant Classification Sherloc (09022015). Collection method: clinical testing. Allele origin: germline.
Comment: This sequence change replaces proline, which is neutral and non-polar, with leucine, which is neutral and non-polar, at codon 311 of the PMPCA protein (p.Pro311Leu). This variant is present in population databases (rs781266438, gnomAD 0.004%). This variant has not been reported in the literature in individuals affected with PMPCA-related conditions. ClinVar contains an entry for this variant (Variation ID: 2189388). An algorithm developed to predict the effect of missense changes on protein structure and function (PolyPhen-2) suggests that this variant is likely to be disruptive. In summary, the available evidence is currently insufficient to determine the role of this variant in disease. Therefore, it has been classified as a Variant of Uncertain Significance.